The following is an entry in ClinVar:

ClinVar aggregate classification (germline): Uncertain significance (1 of 4 stars; one submission).

Conditions:
Nemaline myopathy 2 (NEM2). Also called: Nemaline myopathy 2, autosomal recessive. Identifiers: MedGen C1850569, MONDO:0009725, OMIM 256030.

gnomAD v4.1: 1 of 1,612,028 alleles (0.000062%); highest among the groups gnomAD compares: Non-Finnish European, 0.000085%; no homozygotes.

Submission:

Victorian Clinical Genetics Services, Murdoch Childrens Research Institute
Classification: Uncertain significance for Nemaline myopathy 2. Last evaluated: 2021-05-06. Review status: criteria provided, single submitter. Criteria: ACMG Guidelines, 2015. Collection method: clinical testing. Allele origin: germline. Inheritance: Autosomal recessive inheritance. Affected: yes.
Comment: Based on the classification scheme VCGS_Germline_v1.3.4, this variant is classified as VUS-3B. Following criteria are met: 0102 - Loss of function is a known mechanism of disease in this gene and is associated with autosomal recessive nemaline myopathy 2 (MIM#256030). (I) 0106 - This gene is associated with autosomal recessive disease. (I) 0200 - Variant is predicted to result in a missense amino acid change from aspartic acid to glutamic acid. (I) 0251 - This variant is heterozygous. (I) 0304 - Variant is present in gnomAD (v2) <0.01 for a recessive condition (16 heterozygotes, 0 homozygotes). (SP) 0502 - Missense variant with conflicting in silico predictions and very high conservation. (I) 0600 - Variant is located in the annotated nebulin repeat domain (Pfam). (I) 0705 - No comparable missense variants have previous evidence for pathogenicity. (I) 0807 - This variant has no previous evidence of pathogenicity. (I) 0905 - No published segregation evidence has been identified for this variant. (I) 1007 - No published functional evidence has been identified for this variant. (I) Legend: (SP) - Supporting pathogenic, (I) - Information, (SB) - Supporting benign

NM_001164508.2(NEB):c.23034T>A (p.Asp7678Glu)

Genes: NEB (nebulin; minus strand), RIF1 (replication timing regulatory factor 1; plus strand). Cytogenetic location: 2q23.3.
Variant type: single nucleotide variant.
Coding change: c.23034T>A on transcript NM_001164508.2 (MANE Select); coding-DNA position 23034, T replaced by A.
Protein change: p.Asp7678Glu; replaces aspartic acid 7678 with glutamic acid.
Molecular consequence: missense variant.
Genome position (GRCh38, 1-based): chr2:151,514,411, A>T on the plus strand (T>A on the coding strand, the complement: NEB is on the minus strand). VCF-style: chr2-151514411-A-T. GRCh37 (hg19) VCF-style: chr2-152370925-A-T.
Other names: c.23034T>A, p.Asp7678Glu (NM_001164507.2); c.23139T>A, p.Asp7713Glu (NM_001271208.2); c.17931T>A, p.Asp5977Glu (NM_004543.5); short protein forms D5977E, D7678E, D7713E.
Identifiers: ClinVar variation 2500789 (VCV002500789.2), dbSNP rs773223249, ClinGen allele CA348753601.